The following is an entry in ClinVar:

ClinVar aggregate classification (germline): Uncertain significance (1 of 4 stars; one submission).

Conditions:
Familial hypobetalipoproteinemia 1. Also called: APOB-Related Familial Hypobetalipoproteinemia; Hypobetalipoproteinemia, normotriglyceridemic; Acanthocytosis with hypobetalipoproteinemia. Identifiers: MedGen C4551990, MONDO:0014252, OMIM 615558.
Hypercholesterolemia, autosomal dominant, type B (FHCL2). Also called: Hyperlipoproteinemia Type IIb; Familial Hypercholesterolemia Type B; APOLIPOPROTEIN B-100, FAMILIAL DEFECTIVE; APOLIPOPROTEIN B-100, FAMILIAL LIGAND-DEFECTIVE; HYPERCHOLESTEROLEMIA, FAMILIAL, DUE TO LIGAND-DEFECTIVE APOLIPOPROTEIN B; APOB-Related Familial Hypercholesterolemia, Autosomal Dominant. Identifiers: MedGen C1704417, MONDO:0007751, OMIM 144010.

Allele frequency attached by ClinVar (database versions not stated): ExAC 0.00001; gnomAD 0.00001; gnomAD exomes 0.00001; TOPMed 0.00001.
gnomAD v4.1: 14 of 1,613,948 alleles (0.00087%); highest among the groups gnomAD compares: Non-Finnish European, 0.0012%; no homozygotes.

Submission:

Labcorp Genetics (formerly Invitae), Labcorp
Classification: Uncertain significance for Familial hypobetalipoproteinemia 1; Hypercholesterolemia, autosomal dominant, type B. Last evaluated: 2022-03-03. Review status: criteria provided, single submitter. Criteria: Invitae Variant Classification Sherloc (09022015). Collection method: clinical testing. Allele origin: germline.
Comment: This variant is present in population databases (rs747300780, gnomAD 0.004%). This variant has not been reported in the literature in individuals affected with APOB-related conditions. Algorithms developed to predict the effect of missense changes on protein structure and function are either unavailable or do not agree on the potential impact of this missense change (SIFT: "Deleterious"; PolyPhen-2: "Possibly Damaging"; Align-GVGD: "Class C0"). In summary, the available evidence is currently insufficient to determine the role of this variant in disease. Therefore, it has been classified as a Variant of Uncertain Significance. This sequence change replaces leucine, which is neutral and non-polar, with proline, which is neutral and non-polar, at codon 4539 of the APOB protein (p.Leu4539Pro).

NM_000384.3(APOB):c.13616T>C (p.Leu4539Pro)

Genes: APOB (apolipoprotein B; minus strand), APOB3'MAR (APOB 3' scaffold/matrix attachment region; plus strand). Cytogenetic location: 2p24.1.
Variant type: single nucleotide variant.
Coding change: c.13616T>C on transcript NM_000384.3 (MANE Select); coding-DNA position 13616, T replaced by C.
Protein change: p.Leu4539Pro; replaces leucine 4539 with proline.
Molecular consequence: missense variant.
Genome position (GRCh38, 1-based): chr2:21,001,806, A>G on the plus strand (T>C on the coding strand, the complement: APOB is on the minus strand). VCF-style: chr2-21001806-A-G. GRCh37 (hg19) VCF-style: chr2-21224678-A-G.
Other names: short protein forms L4539P.
Identifiers: ClinVar variation 2140081 (VCV002140081.4), dbSNP rs747300780, ClinGen allele CA053357.